The following is an entry in ClinVar:

NM_000535.7(PMS2):c.799_800insAAAT (p.Phe267Ter)

Gene: PMS2 (PMS1 homolog 2, mismatch repair system component; minus strand). Cytogenetic location: 7p22.1.
Variant type: Insertion.
Coding change: c.799_800insAAAT on transcript NM_000535.7 (MANE Select); coding-DNA positions 799 to 800, AAAT inserted.
Protein change: p.Phe267Ter; replaces phenylalanine 267 with a stop codon.
Molecular consequence: nonsense. On other transcripts: frameshift variant (45), 5 prime UTR variant (2), non-coding transcript variant (1).
Genome position: GRCh38 VCF-style: chr7-5997329-A-AATTT. GRCh37 (hg19) VCF-style: chr7-6036960-A-AATTT.
Other names: c.393_394insTAAA, p.Phe132Terfs (NM_001018040.1, NM_001406887.1, NM_001406888.1 and 15 more transcripts); c.394_395insAAAT, p.Phe132Ter (NM_001322003.2, NM_001322004.2, NM_001322005.2 and 2 more transcripts); c.799_800insAAAT (NM_000535.5); c.799_800insAAAT, p.Phe267Ter (NM_001322006.2, NM_001322014.2); c.481_482insAAAT, p.Phe161Ter (NM_001322007.2, NM_001322008.2); c.-135_-134insAAAT (NM_001322011.2, NM_001322012.2); c.226_227insAAAT, p.Phe76Ter (NM_001322013.2); c.490_491insAAAT, p.Phe164Ter (NM_001322015.2); and 10 more; short protein forms F164*, F76*, F161*, F132*, F267*.
Identifiers: ClinVar variation 1761516 (VCV001761516.2), dbSNP rs2536216295, ClinGen allele CA2580076847.

ClinVar aggregate classification (germline): Pathogenic (1 of 4 stars; one submission).

Conditions:
Hereditary cancer-predisposing syndrome. Also called: Neoplastic Syndromes, Hereditary; Tumor predisposition; Hereditary Cancer Syndrome; Hereditary neoplastic syndrome. Identifiers: Orphanet 140162, MedGen C0027672, MeSH D009386, MONDO:0015356.

Submission:

Ambry Genetics
Classification: Pathogenic for Hereditary cancer-predisposing syndrome. Last evaluated: 2018-12-27. Review status: criteria provided, single submitter. Criteria: Ambry Variant Classification Scheme 2023. Collection method: clinical testing. Allele origin: germline.
Comment: The c.799_800insAAAT pathogenic mutation, located in coding exon 7 of the PMS2 gene, results from an insertion of 4 nucleotides at position 799, causing a translational frameshift with a predicted alternate stop codon (p.F267*). This alteration is expected to result in loss of function by premature protein truncation or nonsense-mediated mRNA decay. As such, this alteration is interpreted as a disease-causing mutation.